The following is an entry in ClinVar:

ClinVar aggregate classification (germline): Pathogenic. Review status: criteria provided, multiple submitters, no conflicts (2 of 4 stars). 2 submissions from 2 submitters: Pathogenic (2). Last evaluated 2021-05-11.

Conditions:
Neuromuscular disease caused by qualitative or quantitative defects of dysferlin. Also called: Qualitative or quantitative defects of dysferlin; Dysferlinopathy. Identifiers: Orphanet 207073, MedGen C2931687, MONDO:0016145.

Allele frequency attached by ClinVar (database versions not stated): gnomAD exomes below 0.00001; TOPMed below 0.00001; gnomAD 0.00001.
gnomAD v4.1: 3 of 1,614,038 alleles (0.00019%); highest among the groups gnomAD compares: Non-Finnish European, 0.00025%; no homozygotes.

Submissions (2):

Labcorp Genetics (formerly Invitae), Labcorp
Classification: Pathogenic for Neuromuscular disease caused by qualitative or quantitative defects of dysferlin. Last evaluated: 2021-05-11. Review status: criteria provided, single submitter. Criteria: Invitae Variant Classification Sherloc (09022015). Collection method: clinical testing. Allele origin: germline.
Comment: For these reasons, this variant has been classified as Pathogenic. This variant has been observed in individual(s) with dysferlinopathy (PMID: 26444858). ClinVar contains an entry for this variant (Variation ID: 94295). This variant is not present in population databases (ExAC no frequency). This sequence change creates a premature translational stop signal (p.Gln957*) in the DYSF gene. It is expected to result in an absent or disrupted protein product. Loss-of-function variants in DYSF are known to be pathogenic (PMID: 17698709, 20301480).

Eurofins Ntd Llc (ga)
Classification: Pathogenic. Last evaluated: 2013-06-19. Review status: criteria provided, single submitter. Criteria: EGL Classification Definitions. Collection method: clinical testing. Allele origin: germline. Observed: 1 variant allele, 1 heterozygote.

Literature cited by the submitters: PubMed 26444858 (cited by Labcorp Genetics (formerly Invitae), Labcorp); PubMed 17698709 (cited by Labcorp Genetics (formerly Invitae), Labcorp); PubMed 20301480 (cited by Labcorp Genetics (formerly Invitae), Labcorp).

NM_001130987.2(DYSF):c.2923C>T (p.Gln975Ter)

Gene: DYSF (dysferlin; plus strand). Cytogenetic location: 2p13.2.
Variant type: single nucleotide variant.
Coding change: c.2923C>T on transcript NM_001130987.2 (MANE Select); coding-DNA position 2923, C replaced by T.
Protein change: p.Gln975Ter; replaces glutamine 975 with a stop codon.
Molecular consequence: nonsense.
Genome position (GRCh38, 1-based): chr2:71,569,878, C>T. VCF-style: chr2-71569878-C-T. GRCh37 (hg19) VCF-style: chr2-71797008-C-T.
Other names: c.2872C>T, p.Gln958Ter (NM_001130455.2, NM_001130983.2); c.2827C>T, p.Gln943Ter (NM_001130976.2, NM_001130977.2); c.2869C>T, p.Gln957Ter (NM_001130978.2, NM_003494.4); c.2962C>T, p.Gln988Ter (NM_001130979.2); c.2920C>T, p.Gln974Ter (NM_001130980.2, NM_001130981.2); c.2965C>T, p.Gln989Ter (NM_001130982.2); c.2830C>T, p.Gln944Ter (NM_001130984.2, NM_001130986.2); c.2923C>T, p.Gln975Ter (NM_001130985.2); short protein forms Q957*, Q975*, Q974*, Q988*, Q943*, Q989*, Q944*, Q958*.
Identifiers: ClinVar variation 94295 (VCV000094295.15), dbSNP rs398123776, ClinGen allele CA222144.
Genomic context (GRCh38, chr2:71,569,878, plus strand): 5'-AGTCTGCTCCATGACATGGACGCCGGTCACCTGAGCTTCGTGGAAGAGGTGTTTGAGAAC[C>T]AGACCCGGCTTCCCGGAGGCCAGTGGATCTACATGAGTGACAACTACACCGATGTGGTAA-3'